The following is an entry in ClinVar:

NM_177550.5(SLC13A5):c.1437+1G>A

Gene: SLC13A5 (solute carrier family 13 member 5; minus strand). Cytogenetic location: 17p13.1.
Variant type: single nucleotide variant.
Coding change: c.1437+1G>A on transcript NM_177550.5 (MANE Select); the canonical splice donor site of the intron after coding-DNA position 1437, G replaced by A.
Molecular consequence: splice donor variant.
Genome position (GRCh38, 1-based): chr17:6,690,778, C>T on the plus strand (G>A on the coding strand, the complement: SLC13A5 is on the minus strand). VCF-style: chr17-6690778-C-T. GRCh37 (hg19) VCF-style: chr17-6594097-C-T.
Other names: c.1308+1G>A (NM_001284510.2); c.1386+1G>A (NM_001284509.2); c.1437+1G>A (NM_001143838.3).
Identifiers: ClinVar variation 4717850 (VCV004717850.1).

ClinVar aggregate classification (germline): Likely pathogenic (1 of 4 stars; one submission).

Conditions:
Developmental and epileptic encephalopathy, 25 (DEE25). Also called: Epileptic encephalopathy, early infantile, 25; Developmental and epileptic encephalopathy 25, with amelogenesis imperfecta; Epileptic encephalopathy, early infantile, 25, with amelogenesis imperfecta. Identifiers: Orphanet 442835, MedGen C4014621, MONDO:0014392, OMIM 615905.

Submission:

Labcorp Genetics (formerly Invitae), Labcorp
Classification: Likely pathogenic for Developmental and epileptic encephalopathy, 25. Last evaluated: 2025-04-18. Review status: criteria provided, single submitter. Criteria: Invitae Variant Classification Sherloc (09022015). Collection method: clinical testing. Allele origin: germline.
Comment: This sequence change affects a donor splice site in intron 10 of the SLC13A5 gene. It is expected to disrupt RNA splicing. Variants that disrupt the donor or acceptor splice site typically lead to a loss of protein function (PMID: 16199547), and loss-of-function variants in SLC13A5 are known to be pathogenic (PMID: 24995870, 26384929). This variant is not present in population databases (gnomAD no frequency). Disruption of this splice site has been observed in individual(s) with SLC13A5-related conditions (PMID: 34540776). Algorithms developed to predict the effect of sequence changes on RNA splicing suggest that this variant may disrupt the consensus splice site. In summary, the currently available evidence indicates that the variant is pathogenic, but additional data are needed to prove that conclusively. Therefore, this variant has been classified as Likely Pathogenic.

Literature cited by the submitters: PubMed 16199547; PubMed 24995870; PubMed 26384929; PubMed 34540776.